The following is an entry in ClinVar:

NM_201384.3(PLEC):c.5515C>A (p.Leu1839Met)

Gene: PLEC (plectin; minus strand). Cytogenetic location: 8q24.3.
Variant type: single nucleotide variant.
Coding change: c.5515C>A on transcript NM_201384.3 (MANE Select); coding-DNA position 5515, C replaced by A.
Protein change: p.Leu1839Met; replaces leucine 1839 with methionine.
Molecular consequence: missense variant. On other transcripts: intron variant (1).
Genome position (GRCh38, 1-based): chr8:143,924,414, G>T on the plus strand (C>A on the coding strand, the complement: PLEC is on the minus strand). VCF-style: chr8-143924414-G-T. GRCh37 (hg19) VCF-style: chr8-144998582-G-T.
Other names: c.4126-2019C>A (NM_001410941.1); c.5596C>A, p.Leu1866Met (NM_000445.5); c.5473C>A, p.Leu1825Met (NM_201378.4); c.5449C>A, p.Leu1817Met (NM_201379.3); c.5926C>A, p.Leu1976Met (NM_201380.4); c.5419C>A, p.Leu1807Met (NM_201381.3); c.5515C>A, p.Leu1839Met (NM_201382.4); c.5527C>A, p.Leu1843Met (NM_201383.3); short protein forms L1807M, L1817M, L1825M, L1839M, L1843M, L1866M, L1976M.
Identifiers: ClinVar variation 2689782 (VCV002689782.4), dbSNP rs782375864, ClinGen allele CA4926340.

ClinVar aggregate classification (germline): Uncertain significance. Review status: criteria provided, multiple submitters, no conflicts (2 of 4 stars). 2 submissions from 2 submitters: Uncertain significance (2). Last evaluated 2024-05-09.

Conditions:
Epidermolysis bullosa simplex 5B, with muscular dystrophy (EBS5B). Also called: Epidermolysis bullosa simplex with muscular dystrophy; EPIDERMOLYSIS BULLOSA SIMPLEX AND LIMB-GIRDLE MUSCULAR DYSTROPHY. Identifiers: Orphanet 257, MedGen C2931072, MONDO:0009181, OMIM 226670.
Autosomal recessive limb-girdle muscular dystrophy type 2Q (LGMDR17). Also called: MUSCULAR DYSTROPHY, LIMB-GIRDLE, AUTOSOMAL RECESSIVE 17. Identifiers: Orphanet 254361, MedGen C3150989, MONDO:0013390, OMIM 613723.
Epidermolysis bullosa simplex, Ogna type (EBS5A). Also called: Pidermolysis bullosa simplex 5A, Ogna type; EPIDERMOLYSIS BULLOSA SIMPLEX 5A, OGNA TYPE. Identifiers: Orphanet 79401, MedGen C0432317, MONDO:0007555, OMIM 131950.
Epidermolysis bullosa simplex 5C, with pyloric atresia (EBS5C). Also called: Epidermolysis bullosa simplex with pyloric atresia; PLEC-Related Epidermolysis Bullosa with Pyloric Atresia; PLEC1-Related Epidermolysis Bullosa with Pyloric Atresia. Identifiers: Orphanet 158684, MedGen C2677349, MONDO:0012807, OMIM 612138.
Epidermolysis bullosa simplex with nail dystrophy (EBS5D). Identifiers: MedGen C4225309, MONDO:0014661, OMIM 616487.

Allele frequency attached by ClinVar (database versions not stated): ExAC 0.00001; gnomAD 0.00001; TOPMed 0.00002.
gnomAD v4.1: 4 of 1,592,374 alleles (0.00025%); highest among the groups gnomAD compares: Admixed American, 0.0034%; no homozygotes.

Submissions (2):

Labcorp Genetics (formerly Invitae), Labcorp
Classification: Uncertain significance for Autosomal recessive limb-girdle muscular dystrophy type 2Q; Epidermolysis bullosa simplex, Ogna type; Epidermolysis bullosa simplex with nail dystrophy; Epidermolysis bullosa simplex 5C, with pyloric atresia; Epidermolysis bullosa simplex 5B, with muscular dystrophy. Last evaluated: 2024-05-09. Review status: criteria provided, single submitter. Criteria: Invitae Variant Classification Sherloc (09022015). Collection method: clinical testing. Allele origin: germline.
Comment: This sequence change replaces leucine, which is neutral and non-polar, with methionine, which is neutral and non-polar, at codon 1866 of the PLEC protein (p.Leu1866Met). This variant is present in population databases (rs782375864, gnomAD 0.009%). This variant has not been reported in the literature in individuals affected with PLEC-related conditions. Experimental studies and prediction algorithms are not available or were not evaluated, and the functional significance of this variant is currently unknown. In summary, the available evidence is currently insufficient to determine the role of this variant in disease. Therefore, it has been classified as a Variant of Uncertain Significance.

Revvity Omics, Revvity
Classification: Uncertain significance. Last evaluated: 2023-04-12. Review status: criteria provided, single submitter. Criteria: ACMG Guidelines, 2015. Collection method: clinical testing. Allele origin: germline.